The following is an entry in ClinVar:

NM_000553.6(WRN):c.1628A>C (p.Tyr543Ser)

Gene: WRN (WRN RecQ like helicase; plus strand). Cytogenetic location: 8p12.
Variant type: single nucleotide variant.
Coding change: c.1628A>C on transcript NM_000553.6 (MANE Select); coding-DNA position 1628, A replaced by C.
Protein change: p.Tyr543Ser; replaces tyrosine 543 with serine.
Molecular consequence: missense variant.
Genome position (GRCh38, 1-based): chr8:31,088,941, A>C. VCF-style: chr8-31088941-A-C. GRCh37 (hg19) VCF-style: chr8-30946457-A-C.
Other names: short protein forms Y543S.
Identifiers: ClinVar variation 458388 (VCV000458388.10), dbSNP rs151001436, ClinGen allele CA4704430.

ClinVar aggregate classification (germline): Uncertain significance. Review status: criteria provided, multiple submitters, no conflicts (2 of 4 stars). 2 submissions from 2 submitters: Uncertain significance (2). Last evaluated 2025-07-31.

Conditions:
Werner syndrome (WRN). Identifiers: Orphanet 902, MedGen C0043119, MONDO:0010196, OMIM 277700.

Allele frequency attached by ClinVar (database versions not stated): gnomAD exomes 0.00001; ExAC 0.00002; gnomAD 0.00002; TOPMed 0.00002; ESP Exome Variant Server 0.00015.
gnomAD v4.1: 4 of 1,611,324 alleles (0.00025%); highest among the groups gnomAD compares: African/African-American, 0.0013%; no homozygotes.

Submissions (2):

Labcorp Genetics (formerly Invitae), Labcorp
Classification: Uncertain significance for Werner syndrome. Last evaluated: 2025-07-31. Review status: criteria provided, single submitter. Criteria: Invitae Variant Classification Sherloc (09022015). Collection method: clinical testing. Allele origin: germline.
Comment: This sequence change replaces tyrosine, which is neutral and polar, with serine, which is neutral and polar, at codon 543 of the WRN protein (p.Tyr543Ser). This variant is present in population databases (rs151001436, gnomAD 0.007%). This variant has not been reported in the literature in individuals affected with WRN-related conditions. ClinVar contains an entry for this variant (Variation ID: 458388). An algorithm developed to predict the effect of missense changes on protein structure and function (PolyPhen-2) suggests that this variant is likely to be disruptive. In summary, the available evidence is currently insufficient to determine the role of this variant in disease. Therefore, it has been classified as a Variant of Uncertain Significance.

GeneDx
Classification: Uncertain significance. Last evaluated: 2022-03-03. Review status: criteria provided, single submitter. Criteria: GeneDx Variant Classification Process June 2021. Collection method: clinical testing. Allele origin: germline. Affected: yes.
Comment: In silico analysis supports that this missense variant has a deleterious effect on protein structure/function; Has not been previously published as pathogenic or benign to our knowledge